The following is an entry in ClinVar:

NM_032043.3(BRIP1):c.847T>C (p.Cys283Arg)

Gene: BRIP1 (BRCA1 interacting DNA helicase 1; minus strand). Cytogenetic location: 17q23.2.
Variant type: single nucleotide variant.
Coding change: c.847T>C on transcript NM_032043.3 (MANE Select); coding-DNA position 847, T replaced by C.
Protein change: p.Cys283Arg; replaces cysteine 283 with arginine.
Molecular consequence: missense variant.
Genome position (GRCh38, 1-based): chr17:61,808,538, A>G on the plus strand (T>C on the coding strand, the complement: BRIP1 is on the minus strand). VCF-style: chr17-61808538-A-G. GRCh37 (hg19) VCF-style: chr17-59885899-A-G.
Other names: short protein forms C283R.
Identifiers: ClinVar variation 479471 (VCV000479471.8), dbSNP rs1555609186, ClinGen allele CA400484790.
Genomic context (GRCh38, chr17:61,808,538, plus strand): 5'-CTAGCAATTCCATGCACTTCTCATTTCTGTTGAAGTTACCGACTACCTCAGGATGGACAC[A>G]AGTATGATCCCTGCTGGAAAGAATAGTCATTGGAACCCCTGAATATGCCGTCCTCCGGAG-3'
Protein context (NP_114432.2, residues 273-293): MTILSSRDHT[Cys283Arg]VHPEVVGNFN

ClinVar aggregate classification (germline): Uncertain significance. Review status: criteria provided, multiple submitters, no conflicts (2 of 4 stars). 2 submissions from 2 submitters: Uncertain significance (2). Last evaluated 2023-10-22.

Conditions:
Hereditary cancer-predisposing syndrome. Also called: Tumor predisposition; Neoplastic Syndromes, Hereditary; Hereditary Cancer Syndrome; Hereditary neoplastic syndrome. Identifiers: Orphanet 140162, MedGen C0027672, MeSH D009386, MONDO:0015356.
Fanconi anemia complementation group J. Also called: BRIP1-Related Fanconi Anemia. Identifiers: Orphanet 84, MedGen C1836860, MONDO:0012187, OMIM 609054.
Familial cancer of breast. Also called: BREAST CANCER, FAMILIAL; Hereditary breast cancer; hereditary breast carcinoma. Identifiers: Orphanet 227535, MedGen C0346153, MONDO:0016419, OMIM 114480. Disease mechanism: loss of function.

Submissions (2):

Labcorp Genetics (formerly Invitae), Labcorp
Classification: Uncertain significance for Familial cancer of breast; Fanconi anemia complementation group J. Last evaluated: 2023-10-22. Review status: criteria provided, single submitter. Criteria: Invitae Variant Classification Sherloc (09022015). Collection method: clinical testing. Allele origin: germline.
Comment: This sequence change replaces cysteine, which is neutral and slightly polar, with arginine, which is basic and polar, at codon 283 of the BRIP1 protein (p.Cys283Arg). This variant is not present in population databases (gnomAD no frequency). This missense change has been observed in individual(s) with prostate cancer (PMID: 29659569). ClinVar contains an entry for this variant (Variation ID: 479471). Advanced modeling of protein sequence and biophysical properties (such as structural, functional, and spatial information, amino acid conservation, physicochemical variation, residue mobility, and thermodynamic stability) performed at Invitae indicates that this missense variant is expected to disrupt BRIP1 protein function with a positive predictive value of 80%. Experimental studies have shown that this missense change affects BRIP1 function (PMID: 32542039). In summary, the available evidence is currently insufficient to determine the role of this variant in disease. Therefore, it has been classified as a Variant of Uncertain Significance.

Ambry Genetics
Classification: Uncertain significance for Hereditary cancer-predisposing syndrome. Last evaluated: 2021-07-31. Review status: criteria provided, single submitter. Criteria: Ambry Variant Classification Scheme 2023. Collection method: clinical testing. Allele origin: germline.
Comment: The p.C283R variant (also known as c.847T>C), located in coding exon 6 of the BRIP1 gene, results from a T to C substitution at nucleotide position 847. The cysteine at codon 283 is replaced by arginine, an amino acid with highly dissimilar properties. This amino acid position is highly conserved in available vertebrate species. In addition, this alteration is predicted to be deleterious by in silico analysis. Since supporting evidence is limited at this time, the clinical significance of this alteration remains unclear.

Literature cited by the submitters: PubMed 29659569 (cited by Labcorp Genetics (formerly Invitae), Labcorp and Ambry Genetics); PubMed 32542039 (cited by Labcorp Genetics (formerly Invitae), Labcorp).